The following is an entry in ClinVar:

ClinVar aggregate classification (germline): Uncertain significance. Review status: criteria provided, multiple submitters, no conflicts (2 of 4 stars). 2 submissions from 2 submitters: Uncertain significance (2). Last evaluated 2025-10-14.

Conditions:
Primary ciliary dyskinesia. Also called: Ciliary dyskinesia. Identifiers: Orphanet 244, MedGen C0008780, MONDO:0016575, HP:0012265.

Allele frequency attached by ClinVar (database versions not stated): gnomAD exomes 0.00004; TOPMed 0.00004; gnomAD 0.00006 and 0.00008; ESP Exome Variant Server 0.00008; ExAC 0.00003.
gnomAD v4.1: 44 of 1,613,662 alleles (0.0027%); highest among the groups gnomAD compares: Middle Eastern, 0.016%; no homozygotes.

Submissions (2):

Ambry Genetics
Classification: Uncertain significance for Primary ciliary dyskinesia. Last evaluated: 2025-10-14. Review status: criteria provided, single submitter. Criteria: Ambry Variant Classification Scheme 2023. Collection method: clinical testing. Allele origin: germline.
Comment: The p.T664S variant (also known as c.1991C>G), located in coding exon 11 of the DNAAF1 gene, results from a C to G substitution at nucleotide position 1991. The threonine at codon 664 is replaced by serine, an amino acid with similar properties. This amino acid position is conserved. In addition, this alteration is predicted to be tolerated by in silico analysis. Based on the available evidence, the clinical significance of this variant remains unclear.

Labcorp Genetics (formerly Invitae), Labcorp
Classification: Uncertain significance for Primary ciliary dyskinesia. Last evaluated: 2024-10-16. Review status: criteria provided, single submitter. Criteria: Invitae Variant Classification Sherloc (09022015). Collection method: clinical testing. Allele origin: germline.
Comment: This sequence change replaces threonine, which is neutral and polar, with serine, which is neutral and polar, at codon 664 of the DNAAF1 protein (p.Thr664Ser). This variant is present in population databases (rs139714259, gnomAD 0.008%). This variant has not been reported in the literature in individuals affected with DNAAF1-related conditions. ClinVar contains an entry for this variant (Variation ID: 961313). An algorithm developed to predict the effect of missense changes on protein structure and function (PolyPhen-2) suggests that this variant is likely to be tolerated. In summary, the available evidence is currently insufficient to determine the role of this variant in disease. Therefore, it has been classified as a Variant of Uncertain Significance.

NM_178452.6(DNAAF1):c.1991C>G (p.Thr664Ser)

Gene: DNAAF1 (dynein axonemal assembly factor 1; plus strand). Cytogenetic location: 16q24.1.
Variant type: single nucleotide variant.
Coding change: c.1991C>G on transcript NM_178452.6 (MANE Select); coding-DNA position 1991, C replaced by G.
Protein change: p.Thr664Ser; replaces threonine 664 with serine.
Molecular consequence: missense variant.
Genome position (GRCh38, 1-based): chr16:84,176,225, C>G. VCF-style: chr16-84176225-C-G. GRCh37 (hg19) VCF-style: chr16-84209831-C-G.
Other names: c.1283C>G, p.Thr428Ser (NM_001318756.1); short protein forms T428S, T664S.
Identifiers: ClinVar variation 961313 (VCV000961313.11), dbSNP rs139714259, ClinGen allele CA8203076.